The following is an entry in ClinVar:

NM_022124.6(CDH23):c.4359+11G>A

Gene: CDH23 (cadherin related 23; plus strand). Cytogenetic location: 10q22.1.
Variant type: single nucleotide variant.
Coding change: c.4359+11G>A on transcript NM_022124.6 (MANE Select); 11 bases into the intron after coding-DNA position 4359, G replaced by A.
Molecular consequence: intron variant.
Genome position (GRCh38, 1-based): chr10:71,738,658, G>A. VCF-style: chr10-71738658-G-A. GRCh37 (hg19) VCF-style: chr10-73498415-G-A.
Identifiers: ClinVar variation 136702 (VCV000136702.19), dbSNP rs12242607, ClinGen allele CA180807.

ClinVar aggregate classification (germline): Benign. Review status: criteria provided, multiple submitters, no conflicts (2 of 4 stars). 6 submissions from 5 submitters: Benign (6). Last evaluated 2026-02-01.

Conditions:
Usher syndrome type 1D (USH1D). Also called: USHER SYNDROME, TYPE ID. Identifiers: Orphanet 231169, Orphanet 886, MedGen C1832845, MONDO:0010984, OMIM 601067.
Autosomal recessive nonsyndromic hearing loss 12. Also called: DEAFNESS, AUTOSOMAL RECESSIVE 12. Identifiers: Orphanet 90636, MedGen C1832394, MONDO:0011067, OMIM 601386.

Allele frequency attached by ClinVar (database versions not stated): gnomAD exomes 0.00409; gnomAD 0.01569 and 0.01676; 1000 Genomes Project 0.01617; ESP Exome Variant Server 0.01660; TOPMed 0.01819; ExAC 0.00519; 1000 Genomes Project 30x 0.01811.
gnomAD v4.1: 4,599 of 1,611,410 alleles (0.29%); highest among the groups gnomAD compares: African/African-American, 5.3%; 112 homozygotes.

Submissions (7):

Labcorp Genetics (formerly Invitae), Labcorp
Classification: Benign. Last evaluated: 2026-02-01. Review status: criteria provided, single submitter. Criteria: Invitae Variant Classification Sherloc (09022015). Collection method: clinical testing. Allele origin: germline.

Illumina Laboratory Services, Illumina
Classification: Benign for Autosomal recessive nonsyndromic hearing loss 12. Last evaluated: 2017-11-14. Review status: criteria provided, single submitter. Criteria: ICSL Variant Classification Criteria 13 December 2019. Collection method: clinical testing. Allele origin: germline.
Comment: This variant was observed as part of a predisposition screen in an ostensibly healthy population. A literature search was performed for the gene, cDNA change, and amino acid change (where applicable). No publications were found based on this search. Allele frequency data from public databases was too high to be consistent with this variant causing disease. Therefore, this variant is classified as benign.

Illumina Laboratory Services, Illumina
Classification: Benign for Usher syndrome type 1D. Last evaluated: 2017-11-14. Review status: criteria provided, single submitter. Criteria: ICSL Variant Classification Criteria 13 December 2019. Collection method: clinical testing. Allele origin: germline.
Comment: the same text as in the submission from Illumina Laboratory Services, Illumina above.

GeneDx
Classification: Benign. Last evaluated: 2014-03-21. Review status: criteria provided, single submitter. Criteria: GeneDx Variant Classification (06012015). Collection method: clinical testing. Allele origin: germline. Affected: yes.
Comment: This variant is considered likely benign or benign based on one or more of the following criteria: it is a conservative change, it occurs at a poorly conserved position in the protein, it is predicted to be benign by multiple in silico algorithms, and/or has population frequency not consistent with disease.

Laboratory for Molecular Medicine, Mass General Brigham Personalized Medicine
Classification: Benign. Last evaluated: 2009-12-08. Review status: criteria provided, single submitter. Criteria: LMM Criteria. Collection method: clinical testing. Allele origin: germline. Observed: 19 variant alleles.

Breakthrough Genomics
Classification: Benign. Review status: criteria provided, single submitter. Criteria: ACMG Guidelines, 2015. Collection method: not provided. Allele origin: germline. Inheritance: Autosomal recessive inheritance. Affected: yes.

Dr. Peter K. Rogan Lab, Western University
No classification provided (evidence only). Condition: Uterine corpus endometrial carcinoma. Review status: no classification provided. Collection method: in vitro. Allele origin: not applicable. Functional consequence: retained intron. Not counted in ClinVar's aggregate classification.